The following is an entry in ClinVar:

ClinVar aggregate classification (germline): Conflicting classifications of pathogenicity. Review status: criteria provided, conflicting classifications (1 of 4 stars). 3 submissions from 3 submitters: Uncertain significance (1); Likely benign (2). Last evaluated 2026-04-14.

Conditions:
RAB3GAP1-related disorder. Also called: RAB3GAP1-related disorders; RAB3GAP1-related condition.

Submissions (3):

PreventionGenetics, part of Exact Sciences
Classification: Likely benign for RAB3GAP1-related condition. Last evaluated: 2026-04-14. Review status: criteria provided, single submitter. Criteria: ACMG Guidelines, 2015. Collection method: clinical testing. Allele origin: germline.
Comment: This variant is classified as likely benign based on ACMG/AMP sequence variant interpretation guidelines (Richards et al. 2015 PMID: 25741868, with internal and published modifications).

GeneDx
Classification: Uncertain significance. Last evaluated: 2024-12-27. Review status: criteria provided, single submitter. Criteria: GeneDx Variant Classification Process June 2021. Collection method: clinical testing. Allele origin: germline. Affected: yes.
Comment: Has not been previously published as pathogenic or benign to our knowledge; In silico analysis is inconclusive as to whether the variant alters gene splicing. In the absence of RNA/functional studies, the actual effect of this sequence change is unknown.

Labcorp Genetics (formerly Invitae), Labcorp
Classification: Likely benign. Last evaluated: 2024-09-30. Review status: criteria provided, single submitter. Criteria: Invitae Variant Classification Sherloc (09022015). Collection method: clinical testing. Allele origin: germline.

NM_012233.3(RAB3GAP1):c.1555-8_1555-4del

Gene: RAB3GAP1 (RAB3 GTPase activating protein catalytic subunit 1; plus strand). Cytogenetic location: 2q21.3.
Variant type: Deletion.
Coding change: c.1555-8_1555-4del on transcript NM_012233.3 (MANE Select); 8 bases into the intron before coding-DNA position 1555 through 4 bases into the intron before coding-DNA position 1555, 5 bases deleted (TTCTT; older notation c.1555-8_1555-4delTTCTT).
Molecular consequence: intron variant.
Genome position (GRCh38, 1-based): chr2:135,135,556-135,135,560, TTCTT deleted; deleting any 5 consecutive bases within chr2:135,135,552-135,135,560 gives the same sequence; the c. name uses the placement nearest the transcript's 3' end. VCF-style (leftmost placement, unchanged base first): chr2-135135551-CTCTTT-C. GRCh37 (hg19) VCF-style: chr2-135893121-CTCTTT-C.
Other names: c.1555-8_1555-4del5 (NM_012233.2); c.1555-8_1555-4del (NM_001172435.2).
Identifiers: ClinVar variation 2721413 (VCV002721413.5), dbSNP rs776042162, ClinGen allele CA1884886.